The following is an entry in ClinVar:

NC_000014.8:g.(?_103336539)_(105861009_?)dup

Genes: ADSS1 (adenylosuccinate synthase 1; plus strand), AHNAK2 (AHNAK nucleoprotein 2; minus strand), AKT1 (AKT serine/threonine kinase 1; minus strand), AMN (amnion associated transmembrane protein; plus strand), ASPG (asparaginase; plus strand) and 34 more. Cytogenetic location: 14q32.32-32.33.
Variant type: Duplication.
Identifiers: ClinVar variation 1681847 (VCV001681847.5).

ClinVar aggregate classification (germline): Uncertain significance (1 of 4 stars; one submission).

Submission:

Labcorp Genetics (formerly Invitae), Labcorp
Classification: Uncertain significance. Last evaluated: 2022-07-06. Review status: criteria provided, single submitter. Criteria: Invitae Variant Classification Sherloc (09022015). Collection method: clinical testing. Allele origin: germline.
Comment: In summary, the available evidence is currently insufficient to determine the role of this variant in disease. Therefore, it has been classified as a Variant of Uncertain Significance. This variant has not been reported in the literature in individuals affected with APOPT1-related conditions. A copy number gain of the genomic region encompassing the full coding sequence of the APOPT1 gene has been identified. The boundaries of this event are unknown as they extend beyond the assayed region for this gene and therefore may encompass additional genes. As the precise location of this event is unknown, it may be in tandem or it may be located elsewhere in the genome.